The following is an entry in ClinVar:

NM_001853.4(COL9A3):c.576+208G>A

Gene: COL9A3 (collagen type IX alpha 3 chain; plus strand). Cytogenetic location: 20q13.33.
Variant type: single nucleotide variant.
Coding change: c.576+208G>A on transcript NM_001853.4 (MANE Select); 208 bases into the intron after coding-DNA position 576, G replaced by A.
Molecular consequence: intron variant.
Genome position (GRCh38, 1-based): chr20:62,824,709, G>A. VCF-style: chr20-62824709-G-A. GRCh37 (hg19) VCF-style: chr20-61456061-G-A.
Identifiers: ClinVar variation 677895 (VCV000677895.1), dbSNP rs2746259, ClinGen allele CA14765342.

ClinVar aggregate classification (germline): Benign (1 of 4 stars; one submission).

Allele frequency attached by ClinVar (database versions not stated): gnomAD 0.71952 and 0.72225; TOPMed 0.73053; 1000 Genomes Project 0.75978; 1000 Genomes Project 30x 0.76452.

Submission:

GeneDx
Classification: Benign. Last evaluated: 2018-06-16. Review status: criteria provided, single submitter. Criteria: GeneDx Variant Classification (06012015). Collection method: clinical testing. Allele origin: germline. Affected: yes.
Comment: This variant is considered likely benign or benign based on one or more of the following criteria: it is a conservative change, it occurs at a poorly conserved position in the protein, it is predicted to be benign by multiple in silico algorithms, and/or has population frequency not consistent with disease.